The following is an entry in ClinVar:

ClinVar aggregate classification (germline): Uncertain significance (1 of 4 stars; one submission).

gnomAD v4.1: 3 of 1,612,826 alleles (0.00019%); highest among the groups gnomAD compares: Non-Finnish European, 0.00025%; no homozygotes.

Submission:

Labcorp Genetics (formerly Invitae), Labcorp
Classification: Uncertain significance. Last evaluated: 2024-04-24. Review status: criteria provided, single submitter. Criteria: Invitae Variant Classification Sherloc (09022015). Collection method: clinical testing. Allele origin: germline.
Comment: This sequence change replaces proline, which is neutral and non-polar, with leucine, which is neutral and non-polar, at codon 669 of the COL4A1 protein (p.Pro669Leu). This variant is not present in population databases (gnomAD no frequency). This variant has not been reported in the literature in individuals affected with COL4A1-related conditions. An algorithm developed to predict the effect of missense changes on protein structure and function (PolyPhen-2) suggests that this variant is likely to be tolerated. In summary, the available evidence is currently insufficient to determine the role of this variant in disease. Therefore, it has been classified as a Variant of Uncertain Significance.

NM_001845.6(COL4A1):c.2006C>T (p.Pro669Leu)

Gene: COL4A1 (collagen type IV alpha 1 chain; minus strand). Cytogenetic location: 13q34.
Variant type: single nucleotide variant.
Coding change: c.2006C>T on transcript NM_001845.6 (MANE Select); coding-DNA position 2006, C replaced by T.
Protein change: p.Pro669Leu; replaces proline 669 with leucine.
Molecular consequence: missense variant.
Genome position (GRCh38, 1-based): chr13:110,183,082, G>A on the plus strand (C>T on the coding strand, the complement: COL4A1 is on the minus strand). VCF-style: chr13-110183082-G-A. GRCh37 (hg19) VCF-style: chr13-110835429-G-A.
Other names: short protein forms P669L.
Identifiers: ClinVar variation 3650705 (VCV003650705.2).